The following is an entry in ClinVar:

ClinVar aggregate classification (germline): Uncertain significance (1 of 4 stars; one submission).

Submission:

Dasa
Classification: Uncertain significance. Last evaluated: 2025-10-17. Review status: criteria provided, single submitter. Criteria: DASA Assertion Criteria. Collection method: clinical testing. Allele origin: germline.
Comment: NM_014727.3(KMT2B):c.1147G>A (p.Glu383Lys) is a missense variant that results in the substitution of glutamic acid with lysine. This variant is rare in population databases. Computational prediction algorithms are consistent with a benign effect. The currently available literature and clinical evidence are not sufficient to establish a definitive association between this variant and the reported condition. Therefore, this variant is classified as a variant of uncertain significance.

NM_014727.3(KMT2B):c.1147G>A (p.Glu383Lys)

Gene: KMT2B (lysine methyltransferase 2B; plus strand). Cytogenetic location: 19q13.12.
Variant type: single nucleotide variant.
Coding change: c.1147G>A on transcript NM_014727.3 (MANE Select); coding-DNA position 1147, G replaced by A.
Protein change: p.Glu383Lys; replaces glutamic acid 383 with lysine.
Molecular consequence: missense variant.
Genome position (GRCh38, 1-based): chr19:35,720,494, G>A. VCF-style: chr19-35720494-G-A. GRCh37 (hg19) VCF-style: chr19-36211396-G-A.
Other names: short protein forms E383K.
Identifiers: ClinVar variation 4886115 (VCV004886115.2).